The following is an entry in ClinVar:

ClinVar aggregate classification (germline): Benign. Review status: criteria provided, multiple submitters, no conflicts (2 of 4 stars). 3 submissions from 3 submitters: Benign (3). Last evaluated 2025-05-05.

Conditions:
FLG-related disorder. Also called: FLG-related disorders; FLG-related condition.

Allele frequency attached by ClinVar (database versions not stated): ESP Exome Variant Server 0.01369; 1000 Genomes Project 30x 0.01546.
gnomAD v4.1: 3,850 of 1,613,424 alleles (0.24%); highest among the groups gnomAD compares: African/African-American, 4%; 55 homozygotes.

Submissions (3):

PreventionGenetics, part of Exact Sciences
Classification: Benign for FLG-related condition. Last evaluated: 2025-05-05. Review status: criteria provided, single submitter. Criteria: ACMG Guidelines, 2015. Collection method: clinical testing. Allele origin: germline.
Comment: This variant is classified as benign based on ACMG/AMP sequence variant interpretation guidelines (Richards et al. 2015 PMID: 25741868, with internal and published modifications).

GeneDx
Classification: Benign. Last evaluated: 2021-04-08. Review status: criteria provided, single submitter. Criteria: GeneDx Variant Classification Process June 2021. Collection method: clinical testing. Allele origin: germline. Affected: yes.

Breakthrough Genomics
Classification: Benign. Review status: criteria provided, single submitter. Criteria: ACMG Guidelines, 2015. Collection method: not provided. Allele origin: germline. Inheritance: Autosomal dominant inheritance. Affected: yes.

NM_002016.2(FLG):c.2689C>T (p.Arg897Cys)

Genes: CCDST (cervical cancer associated DHX9 suppressive transcript; plus strand), FLG (filaggrin; minus strand). Cytogenetic location: 1q21.3.
Variant type: single nucleotide variant.
Coding change: c.2689C>T on transcript NM_002016.2 (MANE Select); coding-DNA position 2689, C replaced by T.
Protein change: p.Arg897Cys; replaces arginine 897 with cysteine.
Molecular consequence: missense variant.
Genome position (GRCh38, 1-based): chr1:152,312,197, G>A on the plus strand (C>T on the coding strand, the complement: FLG is on the minus strand). VCF-style: chr1-152312197-G-A. GRCh37 (hg19) VCF-style: chr1-152284673-G-A.
Other names: short protein forms R897C.
Identifiers: ClinVar variation 1220627 (VCV001220627.5), dbSNP rs76586335, ClinGen allele CA1107051.